The following is an entry in ClinVar:

ClinVar aggregate classification (germline): Uncertain significance. Review status: criteria provided, multiple submitters, no conflicts (2 of 4 stars). 2 submissions from 2 submitters: Uncertain significance (2). Last evaluated 2025-07-14.

Conditions:
Generalized epilepsy with febrile seizures plus, type 7 (GEFSP7). Also called: GEFS+, TYPE 7. Identifiers: Orphanet 36387, MedGen C2751778, MONDO:0013470, OMIM 613863.
Neuropathy, hereditary sensory and autonomic, type 2A (HSAN2A). Also called: WNK1-Related HSAN2 (HSAN2A); HSAN IIA; MORVAN DISEASE; NEUROPATHY, CONGENITAL SENSORY; NEUROPATHY, HEREDITARY SENSORY RADICULAR, AUTOSOMAL RECESSIVE; NEUROPATHY, HEREDITARY SENSORY, TYPE IIA. Identifiers: Orphanet 970, MedGen C2752089, MONDO:0024309, OMIM 201300.

Allele frequency attached by ClinVar (database versions not stated): gnomAD exomes below 0.00001.
gnomAD v4.1: 1 of 1,580,404 alleles (0.000063%); highest among the groups gnomAD compares: Non-Finnish European, 0.000086%; no homozygotes.

Submissions (2):

Labcorp Genetics (formerly Invitae), Labcorp
Classification: Uncertain significance for Neuropathy, hereditary sensory and autonomic, type 2A; Generalized epilepsy with febrile seizures plus, type 7. Last evaluated: 2025-07-14. Review status: criteria provided, single submitter. Criteria: Invitae Variant Classification Sherloc (09022015). Collection method: clinical testing. Allele origin: germline.
Comment: This sequence change replaces isoleucine, which is neutral and non-polar, with threonine, which is neutral and polar, at codon 1446 of the SCN9A protein (p.Ile1446Thr). This variant is not present in population databases (gnomAD no frequency). This variant has not been reported in the literature in individuals affected with SCN9A-related conditions. ClinVar contains an entry for this variant (Variation ID: 932445). Invitae Evidence Modeling of protein sequence and biophysical properties (such as structural, functional, and spatial information, amino acid conservation, physicochemical variation, residue mobility, and thermodynamic stability) has been performed for this missense variant. However, the output from this modeling did not meet the statistical confidence thresholds required to predict the impact of this variant on SCN9A protein function. In summary, the available evidence is currently insufficient to determine the role of this variant in disease. Therefore, it has been classified as a Variant of Uncertain Significance.

CeGaT Center for Human Genetics Tuebingen
Classification: Uncertain significance. Last evaluated: 2024-01-01. Review status: criteria provided, single submitter. Criteria: CeGaT Center For Human Genetics Tuebingen Variant Classification Criteria Version 2. Collection method: clinical testing. Allele origin: germline. Affected: yes. Observed: 5 variant alleles.
Comment: SCN9A: PM2, PP3

NM_001365536.1(SCN9A):c.4370T>C (p.Ile1457Thr)

Genes: SCN1A-AS1 (SCN1A and SCN9A antisense RNA 1; plus strand), SCN9A (sodium voltage-gated channel alpha subunit 9; minus strand). Cytogenetic location: 2q24.3.
Variant type: single nucleotide variant.
Coding change: c.4370T>C on transcript NM_001365536.1 (MANE Select); coding-DNA position 4370, T replaced by C.
Protein change: p.Ile1457Thr; replaces isoleucine 1457 with threonine.
Molecular consequence: missense variant.
Genome position (GRCh38, 1-based): chr2:166,226,595, A>G on the plus strand (T>C on the coding strand, the complement: SCN9A is on the minus strand). VCF-style: chr2-166226595-A-G. GRCh37 (hg19) VCF-style: chr2-167083105-A-G.
Other names: c.4337T>C, p.Ile1446Thr (NM_002977.4); short protein forms I1457T, I1446T.
Identifiers: ClinVar variation 932445 (VCV000932445.46), dbSNP rs1694849428, ClinGen allele CA349061881.
Genomic context (GRCh38, chr2:166,226,595, plus strand): 5'-TCATTACAATGAAAAATATTTGAAATACTTATCTTCTTTTTCTGTTGGTTGAAATTATCT[A>G]TGATGACACCAATGAACAAGTTCAAAGTGAAGAATGACCCAAAGATGATAAAGACGACAA-3'
Protein context (NP_001352465.1, residues 1447-1467): FTLNLFIGVI[Ile1457Thr]DNFNQQKKKL